The following is an entry in ClinVar:

ClinVar aggregate classification (germline): Uncertain significance (1 of 4 stars; one submission).

Submission:

GeneDx
Classification: Uncertain significance. Last evaluated: 2024-05-20. Review status: criteria provided, single submitter. Criteria: GeneDx Variant Classification Process June 2021. Collection method: clinical testing. Allele origin: germline. Affected: yes.
Comment: Not observed at significant frequency in large population cohorts (gnomAD); In silico analysis supports that this missense variant has a deleterious effect on protein structure/function; Has not been previously published as pathogenic or benign to our knowledge

NM_001394062.1(MACF1):c.14485C>G (p.Leu4829Val)

Gene: MACF1 (microtubule actin crosslinking factor 1; plus strand). Cytogenetic location: 1p34.3.
Variant type: single nucleotide variant.
Coding change: c.14485C>G on transcript NM_001394062.1 (MANE Select); coding-DNA position 14485, C replaced by G.
Protein change: p.Leu4829Val; replaces leucine 4829 with valine.
Molecular consequence: missense variant.
Genome position (GRCh38, 1-based): chr1:39,387,327, C>G. VCF-style: chr1-39387327-C-G. GRCh37 (hg19) VCF-style: chr1-39852999-C-G.
Other names: c.8299C>G, p.Leu2767Val (NM_012090.5); short protein forms L2767V, L4829V.
Identifiers: ClinVar variation 3381437 (VCV003381437.1).